The following is an entry in ClinVar:

ClinVar aggregate classification (germline): Benign (1 of 4 stars; one submission).

Allele frequency attached by ClinVar (database versions not stated): 1000 Genomes Project 0.02736; 1000 Genomes Project 30x 0.02826; gnomAD 0.04908 and 0.05189; TOPMed 0.05095.
gnomAD v4.1: 7,523 of 151,842 alleles (5%); highest among the groups gnomAD compares: Middle Eastern, 6.5%; 223 homozygotes.

Submission:

GeneDx
Classification: Benign. Last evaluated: 2018-06-14. Review status: criteria provided, single submitter. Criteria: GeneDx Variant Classification (06012015). Collection method: clinical testing. Allele origin: germline. Affected: yes.
Comment: This variant is considered likely benign or benign based on one or more of the following criteria: it is a conservative change, it occurs at a poorly conserved position in the protein, it is predicted to be benign by multiple in silico algorithms, and/or has population frequency not consistent with disease.

NM_032578.4(MYPN):c.1973+170C>T

Gene: MYPN (myopalladin; plus strand). Cytogenetic location: 10q21.3.
Variant type: single nucleotide variant.
Coding change: c.1973+170C>T on transcript NM_032578.4 (MANE Select); 170 bases into the intron after coding-DNA position 1973, C replaced by T.
Molecular consequence: intron variant.
Genome position (GRCh38, 1-based): chr10:68,166,836, C>T. VCF-style: chr10-68166836-C-T. GRCh37 (hg19) VCF-style: chr10-69926593-C-T.
Other names: c.1973+170C>T (NM_001256267.2); c.1091+170C>T (NM_001256268.2).
Identifiers: ClinVar variation 675304 (VCV000675304.1), dbSNP rs10997967, ClinGen allele CA13193302.
Genomic context (GRCh38, chr10:68,166,836, plus strand): 5'-CCGAGCACTTTGGGAGGCTGAGGCAGGAGGATCGCTTGAGCCCAGGAATTCGAGACCAGC[C>T]GGGGAAAAATAGTGAGACCTCTGTCTCTAAAAGAAAAATTTTAAAGTAAAAAAATTAGCA-3'